The following is an entry in ClinVar:

NM_020812.4(DOCK6):c.928C>T (p.Arg310Trp)

Gene: DOCK6 (dedicator of cytokinesis 6; minus strand). Cytogenetic location: 19p13.2.
Variant type: single nucleotide variant.
Coding change: c.928C>T on transcript NM_020812.4 (MANE Select); coding-DNA position 928, C replaced by T.
Protein change: p.Arg310Trp; replaces arginine 310 with tryptophan.
Molecular consequence: missense variant.
Genome position (GRCh38, 1-based): chr19:11,245,658, G>A on the plus strand (C>T on the coding strand, the complement: DOCK6 is on the minus strand). VCF-style: chr19-11245658-G-A. GRCh37 (hg19) VCF-style: chr19-11356334-G-A.
Other names: c.928C>T, p.Arg310Trp (NM_001367830.1); short protein forms R310W.
Identifiers: ClinVar variation 1941073 (VCV001941073.4), dbSNP rs1202876206, ClinGen allele CA404112475.

ClinVar aggregate classification (germline): Uncertain significance (1 of 4 stars; one submission).

Allele frequency attached by ClinVar (database versions not stated): gnomAD 0.00001; gnomAD exomes 0.00001; TOPMed 0.00001.
gnomAD v4.1: 18 of 1,609,102 alleles (0.0011%); highest among the groups gnomAD compares: South Asian, 0.0033%; no homozygotes.

Submission:

Labcorp Genetics (formerly Invitae), Labcorp
Classification: Uncertain significance. Last evaluated: 2025-02-24. Review status: criteria provided, single submitter. Criteria: Invitae Variant Classification Sherloc (09022015). Collection method: clinical testing. Allele origin: germline.
Comment: This sequence change replaces arginine, which is basic and polar, with tryptophan, which is neutral and slightly polar, at codon 310 of the DOCK6 protein (p.Arg310Trp). This variant is present in population databases (no rsID available, gnomAD 0.007%). This variant has not been reported in the literature in individuals affected with DOCK6-related conditions. ClinVar contains an entry for this variant (Variation ID: 1941073). Invitae Evidence Modeling of protein sequence and biophysical properties (such as structural, functional, and spatial information, amino acid conservation, physicochemical variation, residue mobility, and thermodynamic stability) indicates that this missense variant is expected to disrupt DOCK6 protein function with a positive predictive value of 80%. In summary, the available evidence is currently insufficient to determine the role of this variant in disease. Therefore, it has been classified as a Variant of Uncertain Significance.